The following is an entry in ClinVar:

NM_174934.4(SCN4B):c.376A>G (p.Thr126Ala)

Genes: SCN4B (sodium voltage-gated channel beta subunit 4; minus strand), LOC126861356 (BRD4-independent group 4 enhancer GRCh37_chr11:118014519-118015718; plus strand). Cytogenetic location: 11q23.3.
Variant type: single nucleotide variant.
Coding change: c.376A>G on transcript NM_174934.4 (MANE Select); coding-DNA position 376, A replaced by G.
Protein change: p.Thr126Ala; replaces threonine 126 with alanine.
Molecular consequence: missense variant. On other transcripts: intron variant (1).
Genome position (GRCh38, 1-based): chr11:118,143,920, T>C on the plus strand (A>G on the coding strand, the complement: SCN4B is on the minus strand). VCF-style: chr11-118143920-T-C. GRCh37 (hg19) VCF-style: chr11-118014635-T-C.
Other names: c.46A>G, p.Thr16Ala (NM_001142349.2); c.62-2584A>G (NM_001142348.2); short protein forms T126A, T16A.
Identifiers: ClinVar variation 537383 (VCV000537383.9), dbSNP rs1555097541, ClinGen allele CA382778103.

ClinVar aggregate classification (germline): Uncertain significance (1 of 4 stars; one submission).

Conditions:
Long QT syndrome 10 (LQT10). Identifiers: Orphanet 101016, Orphanet 768, MedGen C2678484, MONDO:0012737, OMIM 611819.

Submission:

Labcorp Genetics (formerly Invitae), Labcorp
Classification: Uncertain significance for Long QT syndrome 10. Last evaluated: 2017-08-17. Review status: criteria provided, single submitter. Criteria: Invitae Variant Classification Sherloc (09022015). Collection method: clinical testing. Allele origin: germline.
Comment: This sequence change replaces threonine with alanine at codon 126 of the SCN4B protein (p.Thr126Ala). The threonine residue is moderately conserved and there is a small physicochemical difference between threonine and alanine. This variant is not present in population databases (ExAC no frequency). In summary, the available evidence is currently insufficient to determine the role of this variant in disease. Therefore, it has been classified as a Variant of Uncertain Significance. Algorithms developed to predict the effect of missense changes on protein structure and function (SIFT, PolyPhen-2, Align-GVGD) all suggest that this variant is likely to be tolerated, but these predictions have not been confirmed by published functional studies and their clinical significance is uncertain. This variant has not been reported in the literature in individuals with SCN4B-related disease.